The following is an entry in ClinVar:

ClinVar aggregate classification (germline): Uncertain significance (1 of 4 stars; one submission).

Conditions:
GLUT1 deficiency syndrome 1, autosomal recessive. Identifiers: MedGen C3149117.

Submission:

Labcorp Genetics (formerly Invitae), Labcorp
Classification: Uncertain significance for GLUT1 deficiency syndrome 1, autosomal recessive. Last evaluated: 2020-02-02. Review status: criteria provided, single submitter. Criteria: Invitae Variant Classification Sherloc (09022015). Collection method: clinical testing. Allele origin: germline.
Comment: This variant has not been reported in the literature in individuals with SLC2A1-related conditions. Algorithms developed to predict the effect of missense changes on protein structure and function (SIFT, PolyPhen-2, Align-GVGD) all suggest that this variant is likely to be disruptive, but these predictions have not been confirmed by published functional studies and their clinical significance is uncertain. In summary, the available evidence is currently insufficient to determine the role of this variant in disease. Therefore, it has been classified as a Variant of Uncertain Significance. This variant is not present in population databases (ExAC no frequency). This sequence change replaces asparagine with isoleucine at codon 288 of the SLC2A1 protein (p.Asn288Ile). The asparagine residue is highly conserved and there is a large physicochemical difference between asparagine and isoleucine.

NM_006516.4(SLC2A1):c.863A>T (p.Asn288Ile)

Gene: SLC2A1 (solute carrier family 2 member 1; minus strand). Cytogenetic location: 1p34.2.
Variant type: single nucleotide variant.
Coding change: c.863A>T on transcript NM_006516.4 (MANE Select); coding-DNA position 863, A replaced by T.
Protein change: p.Asn288Ile; replaces asparagine 288 with isoleucine.
Molecular consequence: missense variant.
Genome position (GRCh38, 1-based): chr1:42,929,597, T>A on the plus strand (A>T on the coding strand, the complement: SLC2A1 is on the minus strand). VCF-style: chr1-42929597-T-A. GRCh37 (hg19) VCF-style: chr1-43395268-T-A.
Other names: short protein forms N288I.
Identifiers: ClinVar variation 1000949 (VCV001000949.8), dbSNP rs1643465264, ClinGen allele CA339957134.